The following is an entry in ClinVar:

NM_014714.4(IFT140):c.2119C>T (p.Leu707Phe)

Gene: IFT140 (intraflagellar transport 140; minus strand). Cytogenetic location: 16p13.3.
Variant type: single nucleotide variant.
Coding change: c.2119C>T on transcript NM_014714.4 (MANE Select); coding-DNA position 2119, C replaced by T.
Protein change: p.Leu707Phe; replaces leucine 707 with phenylalanine.
Molecular consequence: missense variant.
Genome position (GRCh38, 1-based): chr16:1,562,065, G>A on the plus strand (C>T on the coding strand, the complement: IFT140 is on the minus strand). VCF-style: chr16-1562065-G-A. GRCh37 (hg19) VCF-style: chr16-1612066-G-A.
Other names: short protein forms L707F.
Identifiers: ClinVar variation 937916 (VCV000937916.7), dbSNP rs141172132, ClinGen allele CA7813998.

ClinVar aggregate classification (germline): Uncertain significance. Review status: criteria provided, multiple submitters, no conflicts (2 of 4 stars). 3 submissions from 3 submitters: Uncertain significance (3). Last evaluated 2026-04-02.

Conditions:
Saldino-Mainzer syndrome (SRTD9). Also called: SHORT-RIB THORACIC DYSPLASIA 9 WITHOUT POLYDACTYLY; CONORENAL SYNDROME; Renal dysplasia, retinal pigmentary dystrophy, cerebellar ataxia and skeletal dysplasia; short-rib thoracic dysplasia 9 with or without polydactyly. Identifiers: Orphanet 140969, MedGen C1849437, MONDO:0009964, OMIM 266920.
IFT140-related disorder. Also called: IFT140-related condition.
Retinitis pigmentosa 80 (RP80). Identifiers: MedGen C4540439, MONDO:0054708, OMIM 617781.

Allele frequency attached by ClinVar (database versions not stated): ExAC 0.00002; gnomAD 0.00004; TOPMed 0.00005; ESP Exome Variant Server 0.00008.
gnomAD v4.1: 10 of 1,612,102 alleles (0.00062%); highest among the groups gnomAD compares: African/African-American, 0.011%; no homozygotes.

Submissions (3):

PreventionGenetics, part of Exact Sciences
Classification: Uncertain significance for IFT140-related condition. Last evaluated: 2026-04-02. Review status: criteria provided, single submitter. Criteria: ACMG Guidelines, 2015. Collection method: clinical testing. Allele origin: germline.
Comment: The IFT140 c.2119C>T variant is predicted to result in the amino acid substitution p.Leu707Phe. To our knowledge, this variant has not been reported in the literature. This variant is reported in 0.024% of alleles in individuals of African descent in gnomAD. At this time, the clinical significance of this variant is uncertain due to the absence of conclusive functional and genetic evidence.

Labcorp Genetics (formerly Invitae), Labcorp
Classification: Uncertain significance for Saldino-Mainzer syndrome. Last evaluated: 2022-11-07. Review status: criteria provided, single submitter. Criteria: Invitae Variant Classification Sherloc (09022015). Collection method: clinical testing. Allele origin: germline.
Comment: This variant has not been reported in the literature in individuals affected with IFT140-related conditions. In summary, the available evidence is currently insufficient to determine the role of this variant in disease. Therefore, it has been classified as a Variant of Uncertain Significance. Advanced modeling of protein sequence and biophysical properties (such as structural, functional, and spatial information, amino acid conservation, physicochemical variation, residue mobility, and thermodynamic stability) performed at Invitae indicates that this missense variant is not expected to disrupt IFT140 protein function. ClinVar contains an entry for this variant (Variation ID: 937916). This variant is present in population databases (rs141172132, gnomAD 0.03%). This sequence change replaces leucine, which is neutral and non-polar, with phenylalanine, which is neutral and non-polar, at codon 707 of the IFT140 protein (p.Leu707Phe).

Fulgent Genetics
Classification: Uncertain significance for Saldino-Mainzer syndrome; Retinitis pigmentosa 80. Last evaluated: 2021-12-15. Review status: criteria provided, single submitter. Criteria: ACMG Guidelines, 2015. Collection method: clinical testing. Allele origin: unknown.